The following is an entry in ClinVar:

ClinVar aggregate classification (germline): Pathogenic (1 of 4 stars; one submission).

Conditions:
Peroxisome biogenesis disorder 2B (PBD2B). Identifiers: Orphanet 44, MedGen C3550234, MONDO:0008736, OMIM 202370.

Submission:

Labcorp Genetics (formerly Invitae), Labcorp
Classification: Pathogenic for Peroxisome biogenesis disorder 2B. Last evaluated: 2023-06-14. Review status: criteria provided, single submitter. Criteria: Invitae Variant Classification Sherloc (09022015). Collection method: clinical testing. Allele origin: germline.
Comment: For these reasons, this variant has been classified as Pathogenic. ClinVar contains an entry for this variant (Variation ID: 1454762). This variant has not been reported in the literature in individuals affected with PEX5-related conditions. This variant is not present in population databases (gnomAD no frequency). This sequence change creates a premature translational stop signal (p.Trp40*) in the PEX5 gene. It is expected to result in an absent or disrupted protein product. Loss-of-function variants in PEX5 are known to be pathogenic (PMID: 18712838, 21031596).

Literature cited by the submitters: PubMed 18712838; PubMed 21031596.

NM_001351132.2(PEX5):c.119G>A (p.Trp40Ter)

Gene: PEX5 (peroxisomal biogenesis factor 5; plus strand). Cytogenetic location: 12p13.31.
Variant type: single nucleotide variant.
Coding change: c.119G>A on transcript NM_001351132.2 (MANE Select); coding-DNA position 119, G replaced by A.
Protein change: p.Trp40Ter; replaces tryptophan 40 with a stop codon.
Molecular consequence: nonsense.
Genome position (GRCh38, 1-based): chr12:7,190,496, G>A. VCF-style: chr12-7190496-G-A. GRCh37 (hg19) VCF-style: chr12-7343092-G-A.
Other names: c.119G>A, p.Trp40Ter (NM_000319.5, NM_001131023.2, NM_001131024.2 and 22 more transcripts); short protein forms W40*.
Identifiers: ClinVar variation 1454762 (VCV001454762.6), dbSNP rs2135879026, ClinGen allele CA383708074.